The following is an entry in ClinVar:

NM_033022.4(RPS24):c.*21C>T

Gene: RPS24 (ribosomal protein S24; plus strand). Cytogenetic location: 10q22.3.
Variant type: single nucleotide variant.
Coding change: c.*21C>T on transcript NM_033022.4 (MANE Select); 21 bases downstream of the stop codon, C replaced by T.
Molecular consequence: 3 prime UTR variant. On other transcripts: missense variant (1), intron variant (1).
Genome position (GRCh38, 1-based): chr10:78,040,616, C>T. VCF-style: chr10-78040616-C-T. GRCh37 (hg19) VCF-style: chr10-79800374-C-T.
Other names: c.392C>T (NM_001026.4); c.392C>T, p.Pro131Leu (NM_001026.5); c.*21C>T (NM_001142282.2); c.*36C>T (NM_001142283.2, NM_001142284.2); c.390+3312C>T (NM_001142285.2); short protein forms P131L.
Identifiers: ClinVar variation 301098 (VCV000301098.32), dbSNP rs114512325, ClinGen allele CA5572065.

ClinVar aggregate classification (germline): Benign/Likely benign. Review status: criteria provided, multiple submitters, no conflicts (2 of 4 stars). 5 submissions from 5 submitters: Benign (3); Likely benign (1). 1 of the submissions does not count toward it. Last evaluated 2024-08-20.

Conditions:
RPS24-related disorder. Also called: RPS24-related condition.
Diamond-Blackfan anemia 3 (DBA3). Also called: RPS24-Related Diamond-Blackfan Anemia. Identifiers: Orphanet 124, MedGen C1857719, MONDO:0012529, OMIM 610629.

Allele frequency attached by ClinVar (database versions not stated): ESP Exome Variant Server 0.00031; gnomAD exomes 0.00038; TOPMed 0.00057; 1000 Genomes Project 0.00240; 1000 Genomes Project 30x 0.00250.
gnomAD v4.1: 493 of 1,612,980 alleles (0.031%); highest among the groups gnomAD compares: Middle Eastern, 0.33%; 2 homozygotes.

Submissions (5):

Blueprint Genetics
Classification: Likely benign. Last evaluated: 2024-08-20. Review status: criteria provided, single submitter. Criteria: ACMG Guidelines, 2015. Collection method: clinical testing. Allele origin: germline.

CeGaT Center for Human Genetics Tuebingen
Classification: Benign. Last evaluated: 2023-07-01. Review status: criteria provided, single submitter. Criteria: CeGaT Center For Human Genetics Tuebingen Variant Classification Criteria Version 2. Collection method: clinical testing. Allele origin: germline. Affected: yes. Observed: 2 variant alleles.
Comment: RPS24: BP4, BS1, BS2

Illumina Laboratory Services, Illumina
Classification: Benign for Diamond-Blackfan anemia 3. Last evaluated: 2018-01-13. Review status: criteria provided, single submitter. Criteria: ICSL Variant Classification Criteria 13 December 2019. Collection method: clinical testing. Allele origin: germline.
Comment: This variant was observed in the ICSL laboratory as part of a predisposition screen in an ostensibly healthy population. It had not been previously curated by ICSL or reported in the Human Gene Mutation Database (HGMD: prior to June 1st, 2018), and was therefore a candidate for classification through an automated scoring system. Utilizing variant allele frequency, disease prevalence and penetrance estimates, and inheritance mode, an automated score was calculated to assess if this variant is too frequent to cause the disease. Based on the score and internal cut-off values, a variant classified as benign is not then subjected to further curation. The score for this variant resulted in a classification of benign for this disease.

Breakthrough Genomics
Classification: Benign. Review status: criteria provided, single submitter. Criteria: ACMG Guidelines, 2015. Collection method: not provided. Allele origin: germline. Inheritance: Autosomal dominant inheritance. Affected: yes.

PreventionGenetics, part of Exact Sciences
Classification: Likely benign for RPS24-related condition. Last evaluated: 2020-08-08. Review status: no assertion criteria provided. Collection method: clinical testing. Allele origin: germline. Not counted in ClinVar's aggregate classification.
Comment: This variant is classified as likely benign based on ACMG/AMP sequence variant interpretation guidelines (Richards et al. 2015 PMID: 25741868, with internal and published modifications).